The following is an entry in ClinVar:

ClinVar aggregate classification (germline): Uncertain significance (1 of 4 stars; one submission).

Conditions:
Autosomal recessive polycystic kidney disease (ARPKD). Also called: AR polycystic kidney disease. Identifiers: Orphanet 731, Orphanet 8378, MedGen C0085548, MeSH D017044, MONDO:0009889.

Submission:

Labcorp Genetics (formerly Invitae), Labcorp
Classification: Uncertain significance for Autosomal recessive polycystic kidney disease. Last evaluated: 2025-12-24. Review status: criteria provided, single submitter. Criteria: Invitae Variant Classification Sherloc (09022015). Collection method: clinical testing. Allele origin: germline.
Comment: This sequence change replaces proline, which is neutral and non-polar, with serine, which is neutral and polar, at codon 3349 of the PKHD1 protein (p.Pro3349Ser). This variant is not present in population databases (gnomAD no frequency). This variant has not been reported in the literature in individuals affected with PKHD1-related conditions. Invitae Evidence Modeling of protein sequence and biophysical properties (such as structural, functional, and spatial information, amino acid conservation, physicochemical variation, residue mobility, and thermodynamic stability) indicates that this missense variant is not expected to disrupt PKHD1 protein function with a negative predictive value of 95%. In summary, the available evidence is currently insufficient to determine the role of this variant in disease. Therefore, it has been classified as a Variant of Uncertain Significance.

NM_138694.4(PKHD1):c.10045C>T (p.Pro3349Ser)

Gene: PKHD1 (PKHD1 ciliary IPT domain containing fibrocystin/polyductin; minus strand). Cytogenetic location: 6p12.3.
Variant type: single nucleotide variant.
Coding change: c.10045C>T on transcript NM_138694.4 (MANE Select); coding-DNA position 10045, C replaced by T.
Protein change: p.Pro3349Ser; replaces proline 3349 with serine.
Molecular consequence: missense variant.
Genome position (GRCh38, 1-based): chr6:51,744,496, G>A on the plus strand (C>T on the coding strand, the complement: PKHD1 is on the minus strand). VCF-style: chr6-51744496-G-A. GRCh37 (hg19) VCF-style: chr6-51609294-G-A.
Other names: c.10045C>T, p.Pro3349Ser (NM_170724.3); short protein forms P3349S.
Identifiers: ClinVar variation 4774955 (VCV004774955.1).